The following is an entry in ClinVar:

ClinVar aggregate classification (germline): Uncertain significance (1 of 4 stars; one submission).

Submission:

GeneDx
Classification: Uncertain significance. Last evaluated: 2026-02-14. Review status: criteria provided, single submitter. Criteria: GeneDx Variant Classification Process June 2021. Collection method: clinical testing. Allele origin: germline.
Comment: Not observed at significant frequency in large population cohorts (gnomAD); In silico analysis supports that this missense variant has a deleterious effect on protein structure/function; Has not been previously published as pathogenic or benign to our knowledge

NM_001394062.1(MACF1):c.1810G>C (p.Gly604Arg)

Gene: MACF1 (microtubule actin crosslinking factor 1; plus strand). Cytogenetic location: 1p34.3.
Variant type: single nucleotide variant.
Coding change: c.1810G>C on transcript NM_001394062.1 (MANE Select); coding-DNA position 1810, G replaced by C.
Protein change: p.Gly604Arg; replaces glycine 604 with arginine.
Molecular consequence: missense variant.
Genome position (GRCh38, 1-based): chr1:39,291,934, G>C. VCF-style: chr1-39291934-G-C. GRCh37 (hg19) VCF-style: chr1-39757606-G-C.
Other names: c.1825G>C, p.Gly609Arg (NM_012090.5); short protein forms G609R, G604R.
Identifiers: ClinVar variation 5008661 (VCV005008661.1).